The following is an entry in ClinVar:

NM_206933.4(USH2A):c.14191G>A (p.Gly4731Arg)

Gene: USH2A (usherin; minus strand). Cytogenetic location: 1q41.
Variant type: single nucleotide variant.
Coding change: c.14191G>A on transcript NM_206933.4 (MANE Select); coding-DNA position 14191, G replaced by A.
Protein change: p.Gly4731Arg; replaces glycine 4731 with arginine.
Molecular consequence: missense variant.
Genome position (GRCh38, 1-based): chr1:215,650,744, C>T on the plus strand (G>A on the coding strand, the complement: USH2A is on the minus strand). VCF-style: chr1-215650744-C-T. GRCh37 (hg19) VCF-style: chr1-215824086-C-T.
Other names: short protein forms G4731R.
Identifiers: ClinVar variation 229621 (VCV000229621.22), dbSNP rs148674752, ClinGen allele CA1393098.

ClinVar aggregate classification (germline): Conflicting classifications of pathogenicity. Review status: criteria provided, conflicting classifications (1 of 4 stars). 9 submissions from 9 submitters: Uncertain significance (5); Likely benign (1). 3 of the submissions do not count toward it. Last evaluated 2026-01-05.

Conditions:
USH2A-related disorder. Also called: USH2A-related condition; USH2A-related disorders. Identifiers: MedGen CN239332.
Inborn genetic diseases. Identifiers: MedGen C0950123, MeSH D030342.
Retinitis pigmentosa 39 (RP39). Identifiers: Orphanet 791, MedGen C3151138, MONDO:0013436, OMIM 613809.
Usher syndrome type 2A. Also called: USHER SYNDROME, TYPE IIA; RETINAL DISEASE IN USHER SYNDROME TYPE IIA, MODIFIER OF. Identifiers: Orphanet 231178, Orphanet 886, MedGen C1848634, MONDO:0010169, OMIM 276901.

Allele frequency attached by ClinVar (database versions not stated): gnomAD 0.00006; TOPMed 0.00012; ESP Exome Variant Server 0.00015; 1000 Genomes Project 0.00020; 1000 Genomes Project 30x 0.00031.
gnomAD v4.1: 267 of 1,613,634 alleles (0.017%); highest among the groups gnomAD compares: South Asian, 0.029%; no homozygotes.

Submissions (9):

PreventionGenetics, part of Exact Sciences
Classification: Uncertain significance for USH2A-related condition. Last evaluated: 2026-01-05. Review status: criteria provided, single submitter. Criteria: ACMG Guidelines, 2015. Collection method: clinical testing. Allele origin: germline.
Comment: The USH2A c.14191G>A variant is predicted to result in the amino acid substitution p.Gly4731Arg. This variant has been reported in an individual with inherited retinal disease along with two other pathogenic variants in USH2A (Table S1, Lin et al. 2024. PubMed ID: 38219857). This variant is reported in 0.020% of alleles in individuals of African descent in gnomAD. At this time, the clinical significance of this variant is uncertain due to the absence of conclusive functional and genetic evidence.

Labcorp Genetics (formerly Invitae), Labcorp
Classification: Likely benign. Last evaluated: 2025-07-14. Review status: criteria provided, single submitter. Criteria: Invitae Variant Classification Sherloc (09022015). Collection method: clinical testing. Allele origin: germline.

Ambry Genetics
Classification: Uncertain significance for Inborn genetic diseases. Last evaluated: 2024-11-08. Review status: criteria provided, single submitter. Criteria: Ambry Variant Classification Scheme 2023. Collection method: clinical testing. Allele origin: germline.

Blueprint Genetics
Classification: Uncertain significance. Last evaluated: 2022-11-18. Review status: criteria provided, single submitter. Criteria: ACMG Guidelines, 2015. Collection method: clinical testing. Allele origin: germline.

Fulgent Genetics
Classification: Uncertain significance for Usher syndrome type 2A; Retinitis pigmentosa 39. Last evaluated: 2018-10-31. Review status: criteria provided, single submitter. Criteria: ACMG Guidelines, 2015. Collection method: clinical testing. Allele origin: unknown.

Laboratory for Molecular Medicine, Mass General Brigham Personalized Medicine
Classification: Uncertain significance. Last evaluated: 2015-04-29. Review status: criteria provided, single submitter. Criteria: LMM Criteria. Collection method: clinical testing. Allele origin: germline. Observed: 1 variant allele.
Comment: The p.Gly4731Arg variant in USH2A has not been previously reported in individual s with hearing loss but has been identified in 5/66652 European chromosomes by t he Exome Aggregation Consortium (ExAC; dbSNP rs1 48674752). Computational prediction tools and conservation analyses do not provi de strong support for or against an impact to the protein. In summary, the clin ical significance of the p.Gly4731Arg variant is uncertain.

Natera, Inc.
Classification: Uncertain significance for Usher syndrome type 2A. Last evaluated: 2020-01-17. Review status: no assertion criteria provided. Collection method: clinical testing. Allele origin: germline. Not counted in ClinVar's aggregate classification.

Clinical Genetics DNA and cytogenetics Diagnostics Lab, Erasmus MC, Erasmus Medical Center
Classification: Uncertain significance. Review status: no assertion criteria provided. Collection method: clinical testing. Allele origin: germline. Affected: yes. Study: VKGL Data-share Consensus. Not counted in ClinVar's aggregate classification.

Clinical Genetics, Academic Medical Center
Classification: Uncertain significance. Review status: no assertion criteria provided. Collection method: clinical testing. Allele origin: germline. Affected: yes. Study: VKGL Data-share Consensus. Not counted in ClinVar's aggregate classification.